The following is an entry in ClinVar:

NM_001142966.3(GREB1L):c.1322G>C (p.Gly441Ala)

Genes: GREB1L (GREB1 like retinoic acid receptor coactivator; plus strand), GREB1L-AS1 (GREB1L antisense RNA 1; minus strand). Cytogenetic location: 18q11.1.
Variant type: single nucleotide variant.
Coding change: c.1322G>C on transcript NM_001142966.3 (MANE Select); coding-DNA position 1322, G replaced by C.
Protein change: p.Gly441Ala; replaces glycine 441 with alanine.
Molecular consequence: missense variant.
Genome position (GRCh38, 1-based): chr18:21,444,338, G>C. VCF-style: chr18-21444338-G-C. GRCh37 (hg19) VCF-style: chr18-19024299-G-C.
Other names: c.1451G>C, p.Gly484Ala (NM_001410867.1); c.1322G>C, p.Gly441Ala (NM_001410868.1); short protein forms G441A, G484A.
Identifiers: ClinVar variation 2003852 (VCV002003852.4), dbSNP rs1201583875, ClinGen allele CA401801100.
Genomic context (GRCh38, chr18:21,444,338, plus strand): 5'-CTCTGCTGGTGAATTGCTACAAGATTCCACAGTTGGAAAACAAAGATTTGGAAAAATTAG[G>C]GTTGACCGGCAGCCAATTTCTGAGCGTGGAAAACATGATTCTTCTGACGATACAGTATCT-3'
Protein context (NP_001136438.1, residues 431-451): QLENKDLEKL[Gly441Ala]LTGSQFLSVE

ClinVar aggregate classification (germline): Uncertain significance (1 of 4 stars; one submission).

Allele frequency attached by ClinVar (database versions not stated): gnomAD exomes below 0.00001.
gnomAD v4.1: 1 of 1,552,226 alleles (0.000064%); highest among the groups gnomAD compares: South Asian, 0.0012%; no homozygotes.

Submission:

Labcorp Genetics (formerly Invitae), Labcorp
Classification: Uncertain significance. Last evaluated: 2022-06-09. Review status: criteria provided, single submitter. Criteria: Invitae Variant Classification Sherloc (09022015). Collection method: clinical testing. Allele origin: germline.
Comment: In summary, the available evidence is currently insufficient to determine the role of this variant in disease. Therefore, it has been classified as a Variant of Uncertain Significance. Algorithms developed to predict the effect of missense changes on protein structure and function are either unavailable or do not agree on the potential impact of this missense change (SIFT: "Not Available"; PolyPhen-2: "Benign"; Align-GVGD: "Not Available"). This variant has not been reported in the literature in individuals affected with GREB1L-related conditions. This variant is present in population databases (no rsID available, gnomAD 0.004%). This sequence change replaces glycine, which is neutral and non-polar, with alanine, which is neutral and non-polar, at codon 441 of the GREB1L protein (p.Gly441Ala).